The following is an entry in ClinVar:

NM_001042492.3(NF1):c.8267T>A (p.Leu2756Gln)

Gene: NF1 (neurofibromin 1; plus strand). Cytogenetic location: 17q11.2.
Variant type: single nucleotide variant.
Coding change: c.8267T>A on transcript NM_001042492.3 (MANE Select); coding-DNA position 8267, T replaced by A.
Protein change: p.Leu2756Gln; replaces leucine 2756 with glutamine.
Molecular consequence: missense variant.
Genome position (GRCh38, 1-based): chr17:31,360,593, T>A. VCF-style: chr17-31360593-T-A. GRCh37 (hg19) VCF-style: chr17-29687611-T-A.
Other names: c.8204T>A, p.Leu2735Gln (NM_000267.4); short protein forms L2735Q, L2756Q.
Identifiers: ClinVar variation 484073 (VCV000484073.14), dbSNP rs1555537241, ClinGen allele CA399204753.

ClinVar aggregate classification (germline): Conflicting classifications of pathogenicity. Review status: criteria provided, conflicting classifications (1 of 4 stars). 4 submissions from 4 submitters: Uncertain significance (3); Likely benign (1). Last evaluated 2026-04-07.

Conditions:
Hereditary cancer-predisposing syndrome. Also called: Tumor predisposition; Hereditary Cancer Syndrome; Hereditary neoplastic syndrome; Neoplastic Syndromes, Hereditary. Identifiers: Orphanet 140162, MedGen C0027672, MeSH D009386, MONDO:0015356.
Cardiovascular phenotype. Identifiers: MedGen CN230736.
Neurofibromatosis, type 1 (NF1). Also called: VON RECKLINGHAUSEN DISEASE; NEUROFIBROMATOSIS, TYPE I, SOMATIC; Peripheral type neurofibromatosis; Neurofibromatosis, type I. Identifiers: Orphanet 636, MedGen C0027831, MONDO:0018975, OMIM 162200. Disease mechanism: loss of function.

Allele frequency attached by ClinVar (database versions not stated): gnomAD exomes below 0.00001.
gnomAD v4.1: 2 of 1,614,146 alleles (0.00012%); highest among the groups gnomAD compares: Non-Finnish European, 0.00017%; no homozygotes.

Submissions (4):

Women's Health and Genetics/Laboratory Corporation of America, LabCorp
Classification: Uncertain significance. Last evaluated: 2026-04-07. Review status: criteria provided, single submitter. Criteria: LabCorp Variant Classification Summary - May 2015. Collection method: clinical testing. Allele origin: germline.
Comment: Variant summary: NF1 c.8204T>A (p.Leu2735Gln) results in a non-conservative amino acid change in the encoded protein sequence. Algorithms developed to predict the effect of missense changes on protein structure and function are either unavailable or do not agree on the potential impact of this missense change. The variant was absent in 251416 control chromosomes. The available data on variant occurrences in the general population are insufficient to allow any conclusion about variant significance. To our knowledge, no occurrence of c.8204T>A in individuals affected with NF1-related conditions and no experimental evidence demonstrating its impact on protein function have been reported. The following publications have been ascertained in the context of this evaluation (PMID: 27069254, 10678181, 23460398, 29872168). ClinVar contains an entry for this variant (Variation ID: 484073). Based on the evidence outlined above, the variant was classified as uncertain significance.

Ambry Genetics
Classification: Likely benign for Cardiovascular phenotype; Hereditary cancer-predisposing syndrome. Last evaluated: 2023-11-30. Review status: criteria provided, single submitter. Criteria: Ambry Variant Classification Scheme 2023. Collection method: clinical testing. Allele origin: germline.

Labcorp Genetics (formerly Invitae), Labcorp
Classification: Uncertain significance for Neurofibromatosis, type 1. Last evaluated: 2022-06-20. Review status: criteria provided, single submitter. Criteria: Invitae Variant Classification Sherloc (09022015). Collection method: clinical testing. Allele origin: germline.
Comment: This variant has not been reported in the literature in individuals affected with NF1-related conditions. In summary, the available evidence is currently insufficient to determine the role of this variant in disease. Therefore, it has been classified as a Variant of Uncertain Significance. Advanced modeling of protein sequence and biophysical properties (such as structural, functional, and spatial information, amino acid conservation, physicochemical variation, residue mobility, and thermodynamic stability) performed at Invitae indicates that this missense variant is not expected to disrupt NF1 protein function. ClinVar contains an entry for this variant (Variation ID: 484073). This variant is not present in population databases (gnomAD no frequency). This sequence change replaces leucine, which is neutral and non-polar, with glutamine, which is neutral and polar, at codon 2735 of the NF1 protein (p.Leu2735Gln).

Genome-Nilou Lab
Classification: Uncertain significance for Neurofibromatosis, type 1. Last evaluated: 2022-03-15. Review status: criteria provided, single submitter. Criteria: ACMG Guidelines, 2015. Collection method: clinical testing. Allele origin: germline. Affected: no.

Literature cited by the submitters: PubMed 10678181 (cited by Women's Health and Genetics/Laboratory Corporation of America, LabCorp); PubMed 23460398 (cited by Women's Health and Genetics/Laboratory Corporation of America, LabCorp); PubMed 29872168 (cited by Women's Health and Genetics/Laboratory Corporation of America, LabCorp); PubMed 27069254 (cited by Women's Health and Genetics/Laboratory Corporation of America, LabCorp).